The following is an entry in ClinVar:

ClinVar aggregate classification (germline): Conflicting classifications of pathogenicity. Review status: criteria provided, conflicting classifications (1 of 4 stars). 7 submissions from 7 submitters: Uncertain significance (6); Likely benign (1). Last evaluated 2026-02-02.

Conditions:
Inborn genetic diseases. Identifiers: MedGen C0950123, MeSH D030342.
Microcephaly 2, primary, autosomal recessive, with or without cortical malformations. Also called: MICROCEPHALY 2, PRIMARY, AUTOSOMAL RECESSIVE, WITH CORTICAL MALFORMATIONS; WDR62 Primary Microcephaly. Identifiers: Orphanet 2512, MedGen C1858535, MONDO:0011435, OMIM 604317.

Allele frequency attached by ClinVar (database versions not stated): gnomAD 0.00034 and 0.00038; TOPMed 0.00037; gnomAD exomes 0.00043 and 0.00075; ExAC 0.00071.

Submissions (7):

Labcorp Genetics (formerly Invitae), Labcorp
Classification: Likely benign. Last evaluated: 2026-02-02. Review status: criteria provided, single submitter. Criteria: Invitae Variant Classification Sherloc (09022015). Collection method: clinical testing. Allele origin: germline.

GeneDx
Classification: Uncertain significance. Last evaluated: 2025-08-16. Review status: criteria provided, single submitter. Criteria: GeneDx Variant Classification Process June 2021. Collection method: clinical testing. Allele origin: germline. Affected: yes.
Comment: In silico analysis suggests that this missense variant does not alter protein structure/function; Has not been previously published as pathogenic or benign to our knowledge

Mayo Clinic Laboratories, Mayo Clinic
Classification: Uncertain significance. Last evaluated: 2025-01-03. Review status: criteria provided, single submitter. Criteria: ACMG Guidelines, 2015. Collection method: clinical testing. Allele origin: germline. Observed: 2 variant alleles.

Ambry Genetics
Classification: Uncertain significance for Inborn genetic diseases. Last evaluated: 2024-04-19. Review status: criteria provided, single submitter. Criteria: Ambry Variant Classification Scheme 2023. Collection method: clinical testing. Allele origin: germline.

Baylor Genetics
Classification: Uncertain significance for Microcephaly 2, primary, autosomal recessive, with or without cortical malformations. Last evaluated: 2020-12-07. Review status: criteria provided, single submitter. Criteria: ACMG Guidelines, 2015. Collection method: clinical testing. Allele origin: unknown. Affected: yes.
Comment: This variant was determined to be of uncertain significance according to ACMG Guidelines, 2015 [PMID:25741868].

CeGaT Center for Human Genetics Tuebingen
Classification: Uncertain significance. Last evaluated: 2018-03-01. Review status: criteria provided, single submitter. Criteria: CeGaT Center For Human Genetics Tuebingen Variant Classification Criteria Version 2. Collection method: clinical testing. Allele origin: germline. Affected: yes. Observed: 1 variant allele.

Eurofins Ntd Llc (ga)
Classification: Uncertain significance. Last evaluated: 2016-09-20. Review status: criteria provided, single submitter. Criteria: EGL Classification Definitions 2015. Collection method: clinical testing. Allele origin: germline. Observed: 1 variant allele, 1 heterozygote.

NM_001083961.2(WDR62):c.82C>T (p.Arg28Trp)

Gene: WDR62 (WD repeat domain 62; plus strand). Cytogenetic location: 19q13.12.
Variant type: single nucleotide variant.
Coding change: c.82C>T on transcript NM_001083961.2 (MANE Select); coding-DNA position 82, C replaced by T.
Protein change: p.Arg28Trp; replaces arginine 28 with tryptophan.
Molecular consequence: missense variant.
Genome position (GRCh38, 1-based): chr19:36,055,053, C>T. VCF-style: chr19-36055053-C-T. GRCh37 (hg19) VCF-style: chr19-36545955-C-T.
Other names: c.82C>T, p.Arg28Trp (NM_173636.5); short protein forms R28W.
Identifiers: ClinVar variation 290415 (VCV000290415.63), dbSNP rs200283315, ClinGen allele CA9395126.